The following continues an entry in ClinVar:

NM_007294.4(BRCA1):c.5144G>A (p.Ser1715Asn)

Gene: BRCA1. ClinVar aggregate classification (germline): Pathogenic. Pathogenic (1).

Submissions 6 to 11 of 11:

GeneDx
Classification: Pathogenic. Last evaluated: 2022-03-31. Review status: criteria provided, single submitter. Criteria: GeneDx Variant Classification Process June 2021. Collection method: clinical testing. Allele origin: germline. Affected: yes. Not counted in ClinVar's aggregate classification.
Comment: Observed in individuals with breast and/or ovarian cancer, and segregates with disease in one large family (Dez 1999, Campbell and Speevak 2013); Published functional studies demonstrate a damaging effect: impaired transciptional activity, structural stability, binding activity and specificity, protease sensitivity, cell survival, and homology-directed repair activity (Vallon-Christersson 2001, Lee 2010, Woods 2016, Findlay 2018, Fernandes 2019, Petitalot 2019, Lyra 2021); Multifactorial likelihood analyses suggest this variant is pathogenic (Parsons 2019, Caputo 2021); Not observed at significant frequency in large population cohorts (gnomAD); In silico analysis supports that this missense variant does not alter protein structure/function; Also known as 5263G>A; This variant is associated with the following publications: (PMID: 17305420, 11157798, 25782689, 30209399, 30765603, 20516115, 33087888, 28781887, 31131967, 30257991, 10508480, 34597585, 21447777, 22856468)

Quest Diagnostics Nichols Institute San Juan Capistrano
Classification: Likely pathogenic. Last evaluated: 2017-01-27. Review status: criteria provided, single submitter. Criteria: Quest Diagnostics criteria. Collection method: clinical testing. Allele origin: germline. Not counted in ClinVar's aggregate classification.

Counsyl
Classification: Likely pathogenic for Breast-ovarian cancer, familial, susceptibility to, 1. Last evaluated: 2017-09-18. Review status: no assertion criteria provided. Collection method: clinical testing. Allele origin: unknown. Not counted in ClinVar's aggregate classification.

Breast Cancer Information Core (BIC) (BRCA1)
Classification: Uncertain significance for Breast-ovarian cancer, familial 1. Last evaluated: 2004-02-20. Review status: no assertion criteria provided. Collection method: clinical testing. Allele origin: germline. Affected: yes. Observed: 5 variant alleles. Not counted in ClinVar's aggregate classification.

Brotman Baty Institute, University of Washington
No classification provided (evidence only). Condition: Breast-ovarian cancer, familial 1. Review status: no classification provided. Collection method: in vitro. Allele origin: not applicable. Functional consequence: functionally_abnormal. Not counted in ClinVar's aggregate classification.
ClinVar note: "not provided" was previously submitted as the classification for the variant. However, the classification appeared to be based only on an observation of functional data so it was converted to no classification on 2025-07-30.

Department of Pathology and Laboratory Medicine, Sinai Health System
Classification: Uncertain significance. Review status: no assertion criteria provided. Collection method: clinical testing. Allele origin: unknown. Affected: yes. Study: The Canadian Open Genetics Repository (COGR). Not counted in ClinVar's aggregate classification.

Literature cited by the submitters: PubMed 31131967 (cited by Evidence-based Network for the Interpretation of Germline Mutant Alleles (ENIGMA) and Color Diagnostics, LLC DBA Color Health); PubMed 10508480 (cited by 3 submitters); PubMed 22856468 (cited by 5 submitters); PubMed 30209399 (cited by 3 submitters); PubMed 11157798 (cited by 5 submitters); PubMed 20516115 (cited by 5 submitters); PubMed 28781887 (cited by Labcorp Genetics (formerly Invitae), Labcorp and Ambry Genetics); PubMed 30765603 (cited by Labcorp Genetics (formerly Invitae), Labcorp); PubMed 29176636 (cited by Labcorp Genetics (formerly Invitae), Labcorp); PubMed 12955719 (cited by 4 submitters); PubMed 15235020 (cited by Ambry Genetics and Quest Diagnostics Nichols Institute San Juan Capistrano); PubMed 17305420 (cited by Ambry Genetics and Quest Diagnostics Nichols Institute San Juan Capistrano); PubMed 20378548 (cited by 3 submitters); PubMed 21447777 (cited by 3 submitters); PubMed 21673748 (cited by Ambry Genetics and Counsyl); PubMed 25782689 (cited by Ambry Genetics and Quest Diagnostics Nichols Institute San Juan Capistrano); PubMed 12955716 (cited by Color Diagnostics, LLC DBA Color Health and Counsyl); PubMed 29884841 (cited by Color Diagnostics, LLC DBA Color Health); PubMed 30257991 (cited by Color Diagnostics, LLC DBA Color Health); PubMed 34597585 (cited by Color Diagnostics, LLC DBA Color Health); PubMed 24845084 (cited by Counsyl); PubMed 26913838 (cited by Counsyl); PubMed 21523855 (cited by Counsyl); PubMed 16267036 (cited by Counsyl).